The following is an entry in ClinVar:

ClinVar aggregate classification (germline): Likely benign. Review status: criteria provided, multiple submitters, no conflicts (2 of 4 stars). 4 submissions from 4 submitters: Likely benign (3). 1 of the submissions does not count toward it. Last evaluated 2025-10-09.

Conditions:
RNF213-related disorder. Also called: RNF213-related condition.
Moyamoya disease 2 (MYMY2). Also called: MOYAMOYA DISEASE 2, SUSCEPTIBILITY TO. Identifiers: Orphanet 2573, MedGen C1846689, MONDO:0011784, OMIM 607151.

Allele frequency attached by ClinVar (database versions not stated): gnomAD exomes 0.00027; 1000 Genomes Project 30x 0.00047; ExAC 0.00052; 1000 Genomes Project 0.00060; gnomAD 0.00093 and 0.00103; TOPMed 0.00107; ESP Exome Variant Server 0.00185.
gnomAD v4.1: 272 of 1,605,432 alleles (0.017%); highest among the groups gnomAD compares: African/African-American, 0.31%; 1 homozygote.

Submissions (4):

Labcorp Genetics (formerly Invitae), Labcorp
Classification: Likely benign. Last evaluated: 2025-10-09. Review status: criteria provided, single submitter. Criteria: Invitae Variant Classification Sherloc (09022015). Collection method: clinical testing. Allele origin: germline.

Fulgent Genetics
Classification: Likely benign for Moyamoya disease 2. Last evaluated: 2021-07-07. Review status: criteria provided, single submitter. Criteria: ACMG Guidelines, 2015. Collection method: clinical testing. Allele origin: unknown.

Breakthrough Genomics
Classification: Likely benign. Review status: criteria provided, single submitter. Criteria: ACMG Guidelines, 2015. Collection method: not provided. Allele origin: germline. Inheritance: Autosomal dominant inheritance. Affected: yes.

PreventionGenetics, part of Exact Sciences
Classification: Likely benign for RNF213-related condition. Last evaluated: 2023-05-10. Review status: no assertion criteria provided. Collection method: clinical testing. Allele origin: germline. Not counted in ClinVar's aggregate classification.
Comment: This variant is classified as likely benign based on ACMG/AMP sequence variant interpretation guidelines (Richards et al. 2015 PMID: 25741868, with internal and published modifications).

NM_001256071.3(RNF213):c.305C>G (p.Ser102Cys)

Gene: RNF213 (ring finger protein 213; plus strand). Cytogenetic location: 17q25.3.
Variant type: single nucleotide variant.
Coding change: c.305C>G on transcript NM_001256071.3 (MANE Select); coding-DNA position 305, C replaced by G.
Protein change: p.Ser102Cys; replaces serine 102 with cysteine.
Molecular consequence: missense variant.
Genome position (GRCh38, 1-based): chr17:80,287,858, C>G. VCF-style: chr17-80287858-C-G. GRCh37 (hg19) VCF-style: chr17-78261657-C-G.
Other names: c.305C>G, p.Ser102Cys (NM_020954.4); short protein forms S102C.
Identifiers: ClinVar variation 720891 (VCV000720891.9), dbSNP rs143184273, ClinGen allele CA8819225.